The following is an entry in ClinVar:

ClinVar aggregate classification (germline): Pathogenic/Likely pathogenic. Review status: criteria provided, multiple submitters, no conflicts (2 of 4 stars). 8 submissions from 7 submitters: Pathogenic (3); Likely pathogenic (4). 1 of the submissions does not count toward it. Last evaluated 2024-08-16.

Conditions:
Retinal dystrophy. Also called: Inherited retinal dystrophy. Identifiers: Orphanet 71862, MedGen C0854723, MeSH D058499, MONDO:0019118, HP:0000556.
Usher syndrome type 2A. Also called: RETINAL DISEASE IN USHER SYNDROME TYPE IIA, MODIFIER OF; USHER SYNDROME, TYPE IIA. Identifiers: Orphanet 231178, Orphanet 886, MedGen C1848634, MONDO:0010169, OMIM 276901.
Retinitis pigmentosa 39 (RP39). Identifiers: Orphanet 791, MedGen C3151138, MONDO:0013436, OMIM 613809.
USH2A-related disorder. Also called: USH2A-related disorders; USH2A-related condition. Identifiers: MedGen CN239332.

Allele frequency attached by ClinVar (database versions not stated): TOPMed below 0.00001.
gnomAD v4.1: 1 of 1,613,868 alleles (0.000062%); highest among the groups gnomAD compares: Non-Finnish European, 0.000085%; no homozygotes.

Submissions (8):

Natera, Inc.
Classification: Pathogenic for Usher syndrome type 2A. Last evaluated: 2024-08-16. Review status: criteria provided, single submitter. Criteria: Natera Variant Classification Schema (03/2026). Collection method: clinical testing. Allele origin: germline.
Comment: The c.10636G>A variant in USH2A is a missense variant predicted to cause substitution of glycine to arginine at amino acid 3546. This variant is rare in the general population with a frequency below the threshold expected for the associated phenotype(s). This variant has been observed in one or more individuals affected with the associated recessive disease, as either homozygous or compound heterozygous with a second variant (PMID: 22004887, 24516651, 22009552, 24944099, 34948090, 37217489). Computational prediction algorithms indicate this variant is likely to affect gene or protein function. Given the available evidence, this variant is classified as Pathogenic.

Genome-Nilou Lab
Classification: Likely pathogenic for Retinitis pigmentosa 39. Last evaluated: 2023-11-04. Review status: criteria provided, single submitter. Criteria: ACMG Guidelines, 2015. Collection method: clinical testing. Allele origin: germline. Affected: no.

Genome-Nilou Lab
Classification: Likely pathogenic for Usher syndrome type 2A. Last evaluated: 2023-11-04. Review status: criteria provided, single submitter. Criteria: ACMG Guidelines, 2015. Collection method: clinical testing. Allele origin: germline. Affected: no.

Labcorp Genetics (formerly Invitae), Labcorp
Classification: Pathogenic. Last evaluated: 2023-09-14. Review status: criteria provided, single submitter. Criteria: Invitae Variant Classification Sherloc (09022015). Collection method: clinical testing. Allele origin: germline.
Comment: Advanced modeling of protein sequence and biophysical properties (such as structural, functional, and spatial information, amino acid conservation, physicochemical variation, residue mobility, and thermodynamic stability) has been performed at Invitae for this missense variant, however the output from this modeling did not meet the statistical confidence thresholds required to predict the impact of this variant on USH2A protein function. For these reasons, this variant has been classified as Pathogenic. ClinVar contains an entry for this variant (Variation ID: 557692). This missense change has been observed in individual(s) with Usher syndrome (PMID: 22004887, 22009552, 24944099). In at least one individual the data is consistent with being in trans (on the opposite chromosome) from a pathogenic variant. It has also been observed to segregate with disease in related individuals. This variant is not present in population databases (gnomAD no frequency). This sequence change replaces glycine, which is neutral and non-polar, with arginine, which is basic and polar, at codon 3546 of the USH2A protein (p.Gly3546Arg).

Baylor Genetics
Classification: Likely pathogenic for Retinitis pigmentosa 39. Last evaluated: 2022-10-11. Review status: criteria provided, single submitter. Criteria: ACMG Guidelines, 2015. Collection method: clinical testing. Allele origin: unknown.

Institute of Human Genetics, Univ. Regensburg, Univ. Regensburg
Classification: Likely pathogenic for Retinal dystrophy. Last evaluated: 2020-01-01. Review status: criteria provided, single submitter. Criteria: ACMG Guidelines, 2015. Collection method: clinical testing. Allele origin: germline. Affected: yes.

Blueprint Genetics
Classification: Pathogenic for USH2A-related disorders. Last evaluated: 2018-07-18. Review status: criteria provided, single submitter. Criteria: ACMG Guidelines, 2015. Collection method: clinical testing. Allele origin: germline. Affected: yes. Observed: 2 variant alleles.

Counsyl
Classification: Likely pathogenic for Usher syndrome type 2A; Retinitis pigmentosa 39. Last evaluated: 2018-04-12. Review status: no assertion criteria provided. Collection method: clinical testing. Allele origin: unknown. Not counted in ClinVar's aggregate classification.

Literature cited by the submitters: PubMed 22004887 (cited by 4 submitters); PubMed 24516651 (cited by Natera, Inc. and Counsyl); PubMed 22009552 (cited by Natera, Inc. and Labcorp Genetics (formerly Invitae), Labcorp); PubMed 24944099 (cited by 3 submitters); PubMed 34948090 (cited by Natera, Inc. and Institute of Human Genetics, Univ. Regensburg, Univ. Regensburg); PubMed 37217489 (cited by Natera, Inc.); PubMed 31589614 (cited by Institute of Human Genetics, Univ. Regensburg, Univ. Regensburg).

NM_206933.4(USH2A):c.10636G>A (p.Gly3546Arg)

Gene: USH2A (usherin; minus strand). Cytogenetic location: 1q41.
Variant type: single nucleotide variant.
Coding change: c.10636G>A on transcript NM_206933.4 (MANE Select); coding-DNA position 10636, G replaced by A.
Protein change: p.Gly3546Arg; replaces glycine 3546 with arginine.
Molecular consequence: missense variant.
Genome position (GRCh38, 1-based): chr1:215,782,146, C>T on the plus strand (G>A on the coding strand, the complement: USH2A is on the minus strand). VCF-style: chr1-215782146-C-T. GRCh37 (hg19) VCF-style: chr1-215955488-C-T.
Other names: short protein forms G3546R.
Identifiers: ClinVar variation 557692 (VCV000557692.16), dbSNP rs1553261372, ClinGen allele CA344836841.